The following is an entry in ClinVar:

ClinVar aggregate classification (germline): Uncertain significance. Review status: criteria provided, multiple submitters, no conflicts (2 of 4 stars). 3 submissions from 3 submitters: Uncertain significance (2). 1 of the submissions does not count toward it. Last evaluated 2025-11-30.

Conditions:
Hypoalphalipoproteinemia, primary, 2, intermediate. Also called: HYPOALPHALIPOPROTEINEMIA, PRIMARY, 2, AUTOSOMAL DOMINANT. Identifiers: MedGen C5677030, MONDO:0859238, OMIM 619836.
Familial visceral amyloidosis, Ostertag type (AMYLD2). Also called: AMYLOIDOSIS, HEREDITARY SYSTEMIC 2; Hereditary Renal Amyloidosis; Ostertag type amyloidosis; AMYLOIDOSIS VIII; Amyloidosis, hepatic and systemic; Familial visceral amyloidosis. Identifiers: Orphanet 85450, MedGen C0268389, MONDO:0007099, OMIM 105200.
Hypoalphalipoproteinemia, primary, 2. Also called: HIGH DENSITY LIPOPROTEIN DEFICIENCY; HYPOALPHALIPOPROTEINEMIA, PRIMARY, 2, AUTOSOMAL RECESSIVE. Identifiers: MedGen C5551172, MONDO:0032766, OMIM 618463.
APOA1-related disorder. Also called: APOA1-related condition.

Allele frequency attached by ClinVar (database versions not stated): gnomAD exomes below 0.00001; gnomAD 0.00001; TOPMed 0.00002.

Submissions (3):

Labcorp Genetics (formerly Invitae), Labcorp
Classification: Uncertain significance. Last evaluated: 2025-11-30. Review status: criteria provided, single submitter. Criteria: Invitae Variant Classification Sherloc (09022015). Collection method: clinical testing. Allele origin: germline.
Comment: This sequence change replaces aspartic acid, which is acidic and polar, with asparagine, which is neutral and polar, at codon 127 of the APOA1 protein (p.Asp127Asn). This variant is present in population databases (no rsID available, gnomAD 0.0009%). This variant has not been reported in the literature in individuals affected with APOA1-related conditions. ClinVar contains an entry for this variant (Variation ID: 1461988). Invitae Evidence Modeling of protein sequence and biophysical properties (such as structural, functional, and spatial information, amino acid conservation, physicochemical variation, residue mobility, and thermodynamic stability) indicates that this missense variant is not expected to disrupt APOA1 protein function with a negative predictive value of 95%. In summary, the available evidence is currently insufficient to determine the role of this variant in disease. Therefore, it has been classified as a Variant of Uncertain Significance.

Fulgent Genetics
Classification: Uncertain significance for Familial visceral amyloidosis, Ostertag type; Hypoalphalipoproteinemia, primary, 2; Hypoalphalipoproteinemia, primary, 2, intermediate. Last evaluated: 2021-07-27. Review status: criteria provided, single submitter. Criteria: ACMG Guidelines, 2015. Collection method: clinical testing. Allele origin: unknown.

PreventionGenetics, part of Exact Sciences
Classification: Uncertain significance for APOA1-related condition. Last evaluated: 2023-11-03. Review status: no assertion criteria provided. Collection method: clinical testing. Allele origin: germline. Not counted in ClinVar's aggregate classification.
Comment: The APOA1 c.379G>A variant is predicted to result in the amino acid substitution p.Asp127Asn. To our knowledge, this variant has not been reported in the literature. This variant is reported in 0.00088% of alleles in individuals of European (Non-Finnish) descent in gnomAD. At this time, the clinical significance of this variant is uncertain due to the absence of conclusive functional and genetic evidence.

NM_000039.3(APOA1):c.379G>A (p.Asp127Asn)

Genes: APOA1 (apolipoprotein A1; minus strand), APOA1-AS (APOA1 antisense RNA; plus strand). Cytogenetic location: 11q23.3.
Variant type: single nucleotide variant.
Coding change: c.379G>A on transcript NM_000039.3 (MANE Select); coding-DNA position 379, G replaced by A.
Protein change: p.Asp127Asn; replaces aspartic acid 127 with asparagine.
Molecular consequence: missense variant. On other transcripts: non-coding transcript variant (1).
Genome position (GRCh38, 1-based): chr11:116,836,233, C>T on the plus strand (G>A on the coding strand, the complement: APOA1 is on the minus strand). VCF-style: chr11-116836233-C-T. GRCh37 (hg19) VCF-style: chr11-116706949-C-T.
Other names: c.379G>A, p.Asp127Asn (NM_001318017.2, NM_001318018.2); c.52G>A, p.Asp18Asn (NM_001318021.2); c.379G>A (NM_000039.2); short protein forms D18N, D127N.
Identifiers: ClinVar variation 1461988 (VCV001461988.9), dbSNP rs921646982, ClinGen allele CA229324406.